The following is an entry in ClinVar:

ClinVar aggregate classification (germline): Uncertain significance (1 of 4 stars; one submission).

Conditions:
LAMA2-related muscular dystrophy (LAMA2-RD). Also called: Laminin alpha 2-related dystrophy. Identifiers: MedGen C5679788, MONDO:0100228.

Allele frequency attached by ClinVar (database versions not stated): TOPMed below 0.00001; gnomAD 0.00001.
gnomAD v4.1: 1 of 1,614,028 alleles (0.000062%); highest among the groups gnomAD compares: African/African-American, 0.0013%; no homozygotes.

Submission:

Labcorp Genetics (formerly Invitae), Labcorp
Classification: Uncertain significance for LAMA2-related muscular dystrophy. Last evaluated: 2022-08-16. Review status: criteria provided, single submitter. Criteria: Invitae Variant Classification Sherloc (09022015). Collection method: clinical testing. Allele origin: germline.
Comment: In summary, the available evidence is currently insufficient to determine the role of this variant in disease. Therefore, it has been classified as a Variant of Uncertain Significance. Advanced modeling of protein sequence and biophysical properties (such as structural, functional, and spatial information, amino acid conservation, physicochemical variation, residue mobility, and thermodynamic stability) performed at Invitae indicates that this missense variant is not expected to disrupt LAMA2 protein function. ClinVar contains an entry for this variant (Variation ID: 1402102). This variant has not been reported in the literature in individuals affected with LAMA2-related conditions. This variant is not present in population databases (gnomAD no frequency). This sequence change replaces isoleucine, which is neutral and non-polar, with threonine, which is neutral and polar, at codon 875 of the LAMA2 protein (p.Ile875Thr).

NM_000426.4(LAMA2):c.2624T>C (p.Ile875Thr)

Gene: LAMA2 (laminin subunit alpha 2; plus strand). Cytogenetic location: 6q22.33.
Variant type: single nucleotide variant.
Coding change: c.2624T>C on transcript NM_000426.4 (MANE Select); coding-DNA position 2624, T replaced by C.
Protein change: p.Ile875Thr; replaces isoleucine 875 with threonine.
Molecular consequence: missense variant.
Genome position (GRCh38, 1-based): chr6:129,287,933, T>C. VCF-style: chr6-129287933-T-C. GRCh37 (hg19) VCF-style: chr6-129609078-T-C.
Other names: c.2624T>C, p.Ile875Thr (NM_001079823.2); short protein forms I875T.
Identifiers: ClinVar variation 1402102 (VCV001402102.6), dbSNP rs1789393368, ClinGen allele CA365609884.